The following is an entry in ClinVar:

ClinVar aggregate classification (germline): Pathogenic/Likely pathogenic. Review status: criteria provided, multiple submitters, no conflicts (2 of 4 stars). 2 submissions from 2 submitters: Pathogenic (1); Likely pathogenic (1). Last evaluated 2023-03-11.

Conditions:
Complex cortical dysplasia with other brain malformations 5. Identifiers: MedGen C3810407, MONDO:0014337, OMIM 615763.
TUBB2A-related disorder. Also called: TUBB2A-related condition.

Submissions (2):

PreventionGenetics, part of Exact Sciences
Classification: Pathogenic for TUBB2A-related condition. Last evaluated: 2023-03-11. Review status: criteria provided, single submitter. Criteria: ACMG Guidelines, 2015. Collection method: clinical testing. Allele origin: germline.
Comment: The TUBB2A c.292G>C variant is predicted to result in the amino acid substitution p.Gly98Arg. This variant has been reported to occur de novo in three unrelated individuals with TUBB2A-related tubulinopathy (Schmidt et al. 2021. PubMed ID: 33776625). This variant has not been reported in a large population database, indicating this variant is rare. This variant falls within a highly paralogous region. Allele frequency data should be interpreted with caution. This variant is interpreted as pathogenic.

Institute of Human Genetics, University of Leipzig Medical Center
Classification: Likely pathogenic for Complex cortical dysplasia with other brain malformations 5. Last evaluated: 2019-07-16. Review status: criteria provided, single submitter. Criteria: ACMG Guidelines, 2015. Collection method: clinical testing. Allele origin: de novo. Affected: yes. Observed: 1 variant allele.
Comment: This variant was identified as de novo (maternity and paternity confirmed).

NM_001069.3(TUBB2A):c.292G>C (p.Gly98Arg)

Gene: TUBB2A (tubulin beta 2A class IIa; minus strand). Cytogenetic location: 6p25.2.
Variant type: single nucleotide variant.
Coding change: c.292G>C on transcript NM_001069.3 (MANE Select); coding-DNA position 292, G replaced by C.
Protein change: p.Gly98Arg; replaces glycine 98 with arginine.
Molecular consequence: missense variant.
Genome position (GRCh38, 1-based): chr6:3,154,909, C>G on the plus strand (G>C on the coding strand, the complement: TUBB2A is on the minus strand). VCF-style: chr6-3154909-C-G. GRCh37 (hg19) VCF-style: chr6-3155143-C-G.
Other names: c.37G>C, p.Gly13Arg (NM_001310315.2); short protein forms G13R, G98R.
Identifiers: ClinVar variation 975997 (VCV000975997.2), dbSNP rs1064795334, ClinGen allele CA362593076.